The following is an entry in ClinVar:

NM_006389.5(HYOU1):c.1762G>A (p.Gly588Ser)

Gene: HYOU1 (hypoxia up-regulated 1; minus strand). Cytogenetic location: 11q23.3.
Variant type: single nucleotide variant.
Coding change: c.1762G>A on transcript NM_006389.5 (MANE Select); coding-DNA position 1762, G replaced by A.
Protein change: p.Gly588Ser; replaces glycine 588 with serine.
Molecular consequence: missense variant.
Genome position (GRCh38, 1-based): chr11:119,049,600, C>T on the plus strand (G>A on the coding strand, the complement: HYOU1 is on the minus strand). VCF-style: chr11-119049600-C-T. GRCh37 (hg19) VCF-style: chr11-118920312-C-T.
Other names: c.1762G>A, p.Gly588Ser (NM_001130991.3, NM_001411041.1); short protein forms G588S.
Identifiers: ClinVar variation 2375682 (VCV002375682.5), dbSNP rs1358329440, ClinGen allele CA382933011.

ClinVar aggregate classification (germline): Uncertain significance. Review status: criteria provided, multiple submitters, no conflicts (2 of 4 stars). 2 submissions from 2 submitters: Uncertain significance (2). Last evaluated 2024-08-20.

gnomAD v4.1: 21 of 1,614,094 alleles (0.0013%); highest among the groups gnomAD compares: Admixed American, 0.0033%; no homozygotes.

Submissions (2):

Ambry Genetics
Classification: Uncertain significance. Last evaluated: 2024-08-20. Review status: criteria provided, single submitter. Criteria: Ambry Variant Classification Scheme 2023. Collection method: clinical testing. Allele origin: germline.

Labcorp Genetics (formerly Invitae), Labcorp
Classification: Uncertain significance. Last evaluated: 2024-06-03. Review status: criteria provided, single submitter. Criteria: Invitae Variant Classification Sherloc (09022015). Collection method: clinical testing. Allele origin: germline.
Comment: This sequence change replaces glycine, which is neutral and non-polar, with serine, which is neutral and polar, at codon 588 of the HYOU1 protein (p.Gly588Ser). This variant is present in population databases (no rsID available, gnomAD 0.003%). This variant has not been reported in the literature in individuals affected with HYOU1-related conditions. ClinVar contains an entry for this variant (Variation ID: 2375682). Algorithms developed to predict the effect of missense changes on protein structure and function output the following: SIFT: "Not Available"; PolyPhen-2: "Benign"; Align-GVGD: "Not Available". The serine amino acid residue is found in multiple mammalian species, which suggests that this missense change does not adversely affect protein function. In summary, the available evidence is currently insufficient to determine the role of this variant in disease. Therefore, it has been classified as a Variant of Uncertain Significance.